The following is an entry in ClinVar:

NM_001035.3(RYR2):c.14339T>C (p.Leu4780Pro)

Gene: RYR2 (ryanodine receptor 2; plus strand). Cytogenetic location: 1q43.
Variant type: single nucleotide variant.
Coding change: c.14339T>C on transcript NM_001035.3 (MANE Select); coding-DNA position 14339, T replaced by C.
Protein change: p.Leu4780Pro; replaces leucine 4780 with proline.
Molecular consequence: missense variant.
Genome position (GRCh38, 1-based): chr1:237,808,941, T>C. VCF-style: chr1-237808941-T-C. GRCh37 (hg19) VCF-style: chr1-237972241-T-C.
Other names: short protein forms L4780P.
Identifiers: ClinVar variation 3232387 (VCV003232387.1), dbSNP rs2528174451, ClinGen allele CA345424186.

ClinVar aggregate classification (germline): Uncertain significance (1 of 4 stars; one submission).

Conditions:
Cardiovascular phenotype. Identifiers: MedGen CN230736.

Submission:

Ambry Genetics
Classification: Uncertain significance for Cardiovascular phenotype. Last evaluated: 2024-01-08. Review status: criteria provided, single submitter. Criteria: Ambry Variant Classification Scheme 2023. Collection method: clinical testing. Allele origin: germline.
Comment: The p.L4780P variant (also known as c.14339T>C), located in coding exon 100 of the RYR2 gene, results from a T to C substitution at nucleotide position 14339. The leucine at codon 4780 is replaced by proline, an amino acid with similar properties. This amino acid position is highly conserved in available vertebrate species. In addition, this alteration is predicted to be deleterious by in silico analysis. Since supporting evidence is limited at this time, the clinical significance of this alteration remains unclear.